The following is an entry in ClinVar:

ClinVar aggregate classification (germline): Uncertain significance (1 of 4 stars; one submission).

Conditions:
Inborn genetic diseases. Identifiers: MedGen C0950123, MeSH D030342.

Submission:

Ambry Genetics
Classification: Uncertain significance for Inborn genetic diseases. Last evaluated: 2026-03-17. Review status: criteria provided, single submitter. Criteria: Ambry Variant Classification Scheme 2023. Collection method: clinical testing. Allele origin: germline.
Comment: The p.T654S variant (also known as c.1961C>G), located in coding exon 1 of the SAMD9L gene, results from a C to G substitution at nucleotide position 1961. The threonine at codon 654 is replaced by serine, an amino acid with similar properties. This amino acid position is conserved. In addition, this alteration is predicted to be tolerated by in silico analysis. Based on the available evidence, the clinical significance of this variant remains unclear.

NM_152703.5(SAMD9L):c.1961C>G (p.Thr654Ser)

Gene: SAMD9L (sterile alpha motif domain containing 9 like; minus strand). Cytogenetic location: 7q21.2.
Variant type: single nucleotide variant.
Coding change: c.1961C>G on transcript NM_152703.5 (MANE Select); coding-DNA position 1961, C replaced by G.
Protein change: p.Thr654Ser; replaces threonine 654 with serine.
Molecular consequence: missense variant.
Genome position (GRCh38, 1-based): chr7:93,134,011, G>C on the plus strand (C>G on the coding strand, the complement: SAMD9L is on the minus strand). VCF-style: chr7-93134011-G-C. GRCh37 (hg19) VCF-style: chr7-92763324-G-C.
Other names: c.1961C>G, p.Thr654Ser (NM_001303496.3, NM_001303497.3, NM_001303498.3 and 5 more transcripts); short protein forms T654S.
Identifiers: ClinVar variation 4863900 (VCV004863900.1).